The following is an entry in ClinVar:

NM_001129.5(AEBP1):c.2813GTG[2] (p.Gly940del)

Gene: AEBP1 (AE binding protein 1; plus strand). Cytogenetic location: 7p13.
Variant type: Microsatellite.
Coding change: c.2813GTG[2] on transcript NM_001129.5 (MANE Select); two copies in a row of the 3-base unit GTG starting at c.2813; the reference has three copies in a row; one copy, 3 bases deleted.
Protein change: p.Gly940del; deletes glycine 940.
Genome position (GRCh38, 1-based): chr7:44,113,603-44,113,605, GTG deleted; deleting any 3 consecutive bases within chr7:44,113,597-44,113,605 gives the same sequence; the position shown is the placement nearest the transcript's 3' end. VCF-style (leftmost placement, unchanged base first): chr7-44113596-AGTG-A. GRCh37 (hg19) VCF-style: chr7-44153195-AGTG-A.
Other names: short protein forms G940del.
Identifiers: ClinVar variation 4085833 (VCV004085833.8).

ClinVar aggregate classification (germline): Uncertain significance (1 of 4 stars; one submission).

Submission:

CeGaT Center for Human Genetics Tuebingen
Classification: Uncertain significance. Last evaluated: 2025-08-01. Review status: criteria provided, single submitter. Criteria: CeGaT Center For Human Genetics Tuebingen Variant Classification Criteria Version 2. Collection method: clinical testing. Allele origin: germline. Affected: yes. Observed: 1 variant allele.
Comment: AEBP1: PM2, PM4:Supporting